The following is an entry in ClinVar:

NM_005050.4(ABCD4):c.859G>A (p.Val287Ile)

Gene: ABCD4 (ATP binding cassette subfamily D member 4; minus strand). Cytogenetic location: 14q24.3.
Variant type: single nucleotide variant.
Coding change: c.859G>A on transcript NM_005050.4 (MANE Select); coding-DNA position 859, G replaced by A.
Protein change: p.Val287Ile; replaces valine 287 with isoleucine.
Molecular consequence: missense variant. On other transcripts: non-coding transcript variant (10).
Genome position (GRCh38, 1-based): chr14:74,292,825, C>T on the plus strand (G>A on the coding strand, the complement: ABCD4 is on the minus strand). VCF-style: chr14-74292825-C-T. GRCh37 (hg19) VCF-style: chr14-74759528-C-T.
Other names: c.733G>A, p.Val245Ile (NM_001353591.2, NM_001353592.2); c.598G>A, p.Val200Ile (NM_001353593.2); c.547G>A, p.Val183Ile (NM_001353594.2); c.445G>A, p.Val149Ile (NM_001353595.2, NM_001353596.2); c.394G>A, p.Val132Ile (NM_001353597.2); c.382G>A, p.Val128Ile (NM_001353598.2, NM_001353599.2, NM_001353600.2 and 2 more transcripts); c.70G>A, p.Val24Ile (NM_001353602.2, NM_001353603.2, NM_001353604.2 and 6 more transcripts); c.859G>A, p.Val287Ile (NM_020325.3); short protein forms V128I, V132I, V183I, V245I, V287I, V200I, V24I, V149I.
Identifiers: ClinVar variation 966702 (VCV000966702.10), dbSNP rs764251926, ClinGen allele CA7267033.
Genomic context (GRCh38, chr14:74,292,825, plus strand): 5'-TAAGCTCTGCGGGACTCAGGTCTCCATAGACCCCGCTGAAAATGGGGATTGCGATGACAA[C>T]GTAACTCAGGATGCTGCCCAGATAGTCAAAGGTGTTGATGCCGACTGTAGAAAACACATC-3'
Protein context (NP_005041.1, residues 277-297): FDYLGSILSY[Val287Ile]VIAIPIFSGV

ClinVar aggregate classification (germline): Uncertain significance. Review status: criteria provided, multiple submitters, no conflicts (2 of 4 stars). 3 submissions from 3 submitters: Uncertain significance (3). Last evaluated 2025-08-24.

Conditions:
Methylmalonic acidemia with homocystinuria, type cblJ (MAHCJ). Also called: METHYLMALONIC ACIDURIA AND HOMOCYSTINURIA, cblJ TYPE. Identifiers: Orphanet 369955, MedGen C3553915, MONDO:0013925, OMIM 614857.
Inborn genetic diseases. Identifiers: MedGen C0950123, MeSH D030342.

Allele frequency attached by ClinVar (database versions not stated): ExAC 0.00002; gnomAD exomes 0.00002; TOPMed 0.00002.
gnomAD v4.1: 24 of 1,614,158 alleles (0.0015%); highest among the groups gnomAD compares: Admixed American, 0.0033%; no homozygotes.

Submissions (3):

Ambry Genetics
Classification: Uncertain significance for Inborn genetic diseases. Last evaluated: 2025-08-24. Review status: criteria provided, single submitter. Criteria: Ambry Variant Classification Scheme 2023. Collection method: clinical testing. Allele origin: germline.

GeneDx
Classification: Uncertain significance. Last evaluated: 2023-06-07. Review status: criteria provided, single submitter. Criteria: GeneDx Variant Classification Process June 2021. Collection method: clinical testing. Allele origin: germline. Affected: yes.
Comment: Not observed at significant frequency in large population cohorts (gnomAD); In silico analysis supports that this missense variant does not alter protein structure/function; Has not been previously published as pathogenic or benign to our knowledge

Labcorp Genetics (formerly Invitae), Labcorp
Classification: Uncertain significance for Methylmalonic acidemia with homocystinuria, type cblJ. Last evaluated: 2022-07-18. Review status: criteria provided, single submitter. Criteria: Invitae Variant Classification Sherloc (09022015). Collection method: clinical testing. Allele origin: germline.
Comment: In summary, the available evidence is currently insufficient to determine the role of this variant in disease. Therefore, it has been classified as a Variant of Uncertain Significance. Advanced modeling of protein sequence and biophysical properties (such as structural, functional, and spatial information, amino acid conservation, physicochemical variation, residue mobility, and thermodynamic stability) performed at Invitae indicates that this missense variant is not expected to disrupt ABCD4 protein function. ClinVar contains an entry for this variant (Variation ID: 966702). This variant has not been reported in the literature in individuals affected with ABCD4-related conditions. This variant is present in population databases (rs764251926, gnomAD 0.006%). This sequence change replaces valine, which is neutral and non-polar, with isoleucine, which is neutral and non-polar, at codon 287 of the ABCD4 protein (p.Val287Ile).